The following is an entry in ClinVar:

ClinVar aggregate classification (germline): Conflicting classifications of pathogenicity. Review status: criteria provided, conflicting classifications (1 of 4 stars). 5 submissions from 5 submitters: Uncertain significance (3); Likely benign (2). Last evaluated 2026-01-09.

Conditions:
Bethlem myopathy 1A. Also called: Bethlem myopathy 1; Bethlem Muscular Dystrophy; MYOPATHY, BENIGN CONGENITAL, WITH CONTRACTURES. Identifiers: Orphanet 610, MedGen CN029274, MONDO:0024530, OMIM 158810.

Allele frequency attached by ClinVar (database versions not stated): ESP Exome Variant Server 0.00023; ExAC 0.00036; 1000 Genomes Project 0.00040; gnomAD 0.00041 and 0.00043; TOPMed 0.00041; gnomAD exomes 0.00045; 1000 Genomes Project 30x 0.00047.
gnomAD v4.1: 497 of 1,613,892 alleles (0.031%); highest among the groups gnomAD compares: Admixed American, 0.047%; no homozygotes.

Submissions (5):

Labcorp Genetics (formerly Invitae), Labcorp
Classification: Likely benign for Bethlem myopathy 1A. Last evaluated: 2026-01-09. Review status: criteria provided, single submitter. Criteria: Invitae Variant Classification Sherloc (09022015). Collection method: clinical testing. Allele origin: germline.

Mayo Clinic Laboratories, Mayo Clinic
Classification: Uncertain significance. Last evaluated: 2025-12-18. Review status: criteria provided, single submitter. Criteria: ACMG Guidelines, 2015. Collection method: clinical testing. Allele origin: germline. Observed: 1 variant allele.
Comment: BS1

GeneDx
Classification: Uncertain significance. Last evaluated: 2020-02-06. Review status: criteria provided, single submitter. Criteria: GeneDx Variant Classification Process June 2021. Collection method: clinical testing. Allele origin: germline. Affected: yes.
Comment: In silico analysis supports that this missense variant has a deleterious effect on protein structure/function; Previously reported in an individual with muscle wasting and contractures, who harbored variants in other genes related to neuromuscular disease, and therefore the significance of the T1140M variant is unclear (Meinke et al., 2019); This variant is associated with the following publications: (PMID: 30564623, 31862442)

CeGaT Center for Human Genetics Tuebingen
Classification: Uncertain significance. Last evaluated: 2018-03-01. Review status: criteria provided, single submitter. Criteria: CeGaT Center For Human Genetics Tuebingen Variant Classification Criteria Version 2. Collection method: clinical testing. Allele origin: germline. Affected: yes. Observed: 2 variant alleles.

Eurofins Ntd Llc (ga)
Classification: Likely benign. Last evaluated: 2017-01-19. Review status: criteria provided, single submitter. Criteria: EGL Classification Definitions 2015. Collection method: clinical testing. Allele origin: germline. Observed: 5 variant alleles, 5 heterozygotes.

NM_004369.4(COL6A3):c.3419C>T (p.Thr1140Met)

Gene: COL6A3 (collagen type VI alpha 3 chain; minus strand). Cytogenetic location: 2q37.3.
Variant type: single nucleotide variant.
Coding change: c.3419C>T on transcript NM_004369.4 (MANE Select); coding-DNA position 3419, C replaced by T.
Protein change: p.Thr1140Met; replaces threonine 1140 with methionine.
Molecular consequence: missense variant.
Genome position (GRCh38, 1-based): chr2:237,374,672, G>A on the plus strand (C>T on the coding strand, the complement: COL6A3 is on the minus strand). VCF-style: chr2-237374672-G-A. GRCh37 (hg19) VCF-style: chr2-238283315-G-A.
Other names: p.Thr1140Met; c.2198C>T, p.Thr733Met (NM_057164.5); c.2801C>T, p.Thr934Met (NM_057165.5, NM_057167.4); c.1598C>T, p.Thr533Met (NM_057166.5); short protein forms T1140M, T934M, T533M, T733M.
Identifiers: ClinVar variation 289131 (VCV000289131.58), dbSNP rs201131900, ClinGen allele CA2189174.